The following is an entry in ClinVar:

ClinVar aggregate classification (germline): Uncertain significance (1 of 4 stars; one submission).

Conditions:
CHARGE syndrome (CHARGE). Also called: Hittner Hirsch Kreh syndrome; CHARGE ASSOCIATION--COLOBOMA, HEART ANOMALY, CHOANAL ATRESIA, RETARDATION, GENITAL AND EAR ANOMALIES; Coloboma, heart anomaly, choanal atresia, retardation, genital and ear anomalies; CHARGE association; Hall-Hittner syndrome. Identifiers: Orphanet 138, MedGen C0265354, MONDO:0008965.

Allele frequency attached by ClinVar (database versions not stated): TOPMed below 0.00001; gnomAD 0.00001.
gnomAD v4.1: 2 of 1,613,994 alleles (0.00012%); highest among the groups gnomAD compares: African/African-American, 0.0027%; no homozygotes.

Submission:

Labcorp Genetics (formerly Invitae), Labcorp
Classification: Uncertain significance for CHARGE syndrome. Last evaluated: 2023-03-14. Review status: criteria provided, single submitter. Criteria: Invitae Variant Classification Sherloc (09022015). Collection method: clinical testing. Allele origin: germline.
Comment: This sequence change replaces leucine, which is neutral and non-polar, with isoleucine, which is neutral and non-polar, at codon 742 of the SEMA3E protein (p.Leu742Ile). This variant is present in population databases (rs775487844, gnomAD 0.007%). This variant has not been reported in the literature in individuals affected with SEMA3E-related conditions. An algorithm developed to predict the effect of missense changes on protein structure and function (PolyPhen-2) suggests that this variant is likely to be tolerated. In summary, the available evidence is currently insufficient to determine the role of this variant in disease. Therefore, it has been classified as a Variant of Uncertain Significance.

NM_012431.3(SEMA3E):c.2224C>A (p.Leu742Ile)

Gene: SEMA3E (semaphorin 3E; minus strand). Cytogenetic location: 7q21.11.
Variant type: single nucleotide variant.
Coding change: c.2224C>A on transcript NM_012431.3 (MANE Select); coding-DNA position 2224, C replaced by A.
Protein change: p.Leu742Ile; replaces leucine 742 with isoleucine.
Molecular consequence: missense variant.
Genome position (GRCh38, 1-based): chr7:83,367,690, G>T on the plus strand (C>A on the coding strand, the complement: SEMA3E is on the minus strand). VCF-style: chr7-83367690-G-T. GRCh37 (hg19) VCF-style: chr7-82997006-G-T.
Other names: c.2044C>A, p.Leu682Ile (NM_001178129.2); short protein forms L742I, L682I.
Identifiers: ClinVar variation 2878641 (VCV002878641.3), dbSNP rs775487844, ClinGen allele CA4321802.